The following is an entry in ClinVar:

NM_022089.4(ATP13A2):c.7G>C (p.Ala3Pro)

Genes: ATP13A2 (ATPase cation transporting 13A2; minus strand), LOC129929540 (ATAC-STARR-seq lymphoblastoid silent region 339; plus strand). Cytogenetic location: 1p36.13.
Variant type: single nucleotide variant.
Coding change: c.7G>C on transcript NM_022089.4 (MANE Select); coding-DNA position 7, G replaced by C.
Protein change: p.Ala3Pro; replaces alanine 3 with proline.
Molecular consequence: missense variant.
Genome position (GRCh38, 1-based): chr1:17,011,732, C>G on the plus strand (G>C on the coding strand, the complement: ATP13A2 is on the minus strand). VCF-style: chr1-17011732-C-G. GRCh37 (hg19) VCF-style: chr1-17338227-C-G.
Other names: c.7G>C, p.Ala3Pro (NM_001141973.3, NM_001141974.3); c.7G>C (NM_022089.3); short protein forms A3P.
Identifiers: ClinVar variation 804554 (VCV000804554.15), dbSNP rs549839037, ClinGen allele CA637809.

ClinVar aggregate classification (germline): Conflicting classifications of pathogenicity. Review status: criteria provided, conflicting classifications (1 of 4 stars). 5 submissions from 5 submitters: Uncertain significance (2); Likely benign (2). 1 of the submissions does not count toward it. Last evaluated 2026-02-01.

Conditions:
Inborn genetic diseases. Identifiers: MedGen C0950123, MeSH D030342.
ATP13A2-related disorder. Also called: ATP13A2-related disorders; ATP13A2-related condition.
Kufor-Rakeb syndrome (KRS). Also called: PARKINSON DISEASE 9, AUTOSOMAL RECESSIVE, JUVENILE-ONSET. Identifiers: Orphanet 306674, Orphanet 314632, MedGen C1847640, MONDO:0011706, OMIM 606693.
Autosomal recessive spastic paraplegia type 78. Identifiers: Orphanet 513436, MedGen C5567893, MONDO:0014975, OMIM 617225.

Allele frequency attached by ClinVar (database versions not stated): ExAC below 0.00001; TOPMed 0.00103; gnomAD 0.00119 and 0.00122; 1000 Genomes Project 0.00160; 1000 Genomes Project 30x 0.00187.
gnomAD v4.1: 320 of 1,474,756 alleles (0.022%); highest among the groups gnomAD compares: African/African-American, 0.45%; 1 homozygote.

Submissions (5):

Labcorp Genetics (formerly Invitae), Labcorp
Classification: Likely benign for Kufor-Rakeb syndrome; Autosomal recessive spastic paraplegia type 78. Last evaluated: 2026-02-01. Review status: criteria provided, single submitter. Criteria: Invitae Variant Classification Sherloc (09022015). Collection method: clinical testing. Allele origin: germline.

GeneDx
Classification: Uncertain significance. Last evaluated: 2020-10-23. Review status: criteria provided, single submitter. Criteria: GeneDx Variant Classification Process June 2021. Collection method: clinical testing. Allele origin: germline. Affected: yes.
Comment: In silico analysis supports that this missense variant does not alter protein structure/function; Has not been previously published as pathogenic or benign to our knowledge

Athena Diagnostics
Classification: Likely benign. Last evaluated: 2019-05-02. Review status: criteria provided, single submitter. Criteria: Athena Diagnostics Criteria. Collection method: clinical testing. Allele origin: germline.

Ambry Genetics
Classification: Uncertain significance for Inborn genetic diseases. Last evaluated: 2018-11-15. Review status: criteria provided, single submitter. Criteria: Ambry Variant Classification Scheme 2023. Collection method: clinical testing. Allele origin: germline.
Comment: The p.A3P variant (also known as c.7G>C), located in coding exon 1 of the ATP13A2 gene, results from a G to C substitution at nucleotide position 7. The alanine at codon 3 is replaced by proline, an amino acid with highly similar properties. This amino acid position is well conserved in available vertebrate species. In addition, the in silico prediction for this alteration is inconclusive. Since supporting evidence is limited at this time, the clinical significance of this alteration remains unclear.

PreventionGenetics, part of Exact Sciences
Classification: Likely benign for ATP13A2-related condition. Last evaluated: 2022-02-15. Review status: no assertion criteria provided. Collection method: clinical testing. Allele origin: germline. Not counted in ClinVar's aggregate classification.
Comment: This variant is classified as likely benign based on ACMG/AMP sequence variant interpretation guidelines (Richards et al. 2015 PMID: 25741868, with internal and published modifications).